The following is an entry in ClinVar:

NM_000256.3(MYBPC3):c.3793G>A (p.Glu1265Lys)

Gene: MYBPC3 (myosin binding protein C3; minus strand). Cytogenetic location: 11p11.2.
Variant type: single nucleotide variant.
Coding change: c.3793G>A on transcript NM_000256.3 (MANE Select); coding-DNA position 3793, G replaced by A.
Protein change: p.Glu1265Lys; replaces glutamic acid 1265 with lysine.
Molecular consequence: missense variant.
Genome position (GRCh38, 1-based): chr11:47,332,093, C>T on the plus strand (G>A on the coding strand, the complement: MYBPC3 is on the minus strand). VCF-style: chr11-47332093-C-T. GRCh37 (hg19) VCF-style: chr11-47353644-C-T.
Other names: short protein forms E1265K.
Identifiers: ClinVar variation 1499656 (VCV001499656.6), dbSNP rs751527360, ClinGen allele CA079547.

ClinVar aggregate classification (germline): Uncertain significance (1 of 4 stars; one submission).

Conditions:
Hypertrophic cardiomyopathy. Also called: HYPERTROPHIC MYOCARDIOPATHY. Identifiers: Orphanet 217569, MedGen C0007194, MeSH D002312, MONDO:0005045, HP:0001639.

Allele frequency attached by ClinVar (database versions not stated): ExAC 0.00001; gnomAD exomes below 0.00001.

Submission:

Labcorp Genetics (formerly Invitae), Labcorp
Classification: Uncertain significance for Hypertrophic cardiomyopathy. Last evaluated: 2025-04-02. Review status: criteria provided, single submitter. Criteria: Invitae Variant Classification Sherloc (09022015). Collection method: clinical testing. Allele origin: germline.
Comment: This sequence change replaces glutamic acid, which is acidic and polar, with lysine, which is basic and polar, at codon 1265 of the MYBPC3 protein (p.Glu1265Lys). This variant is present in population databases (rs751527360, gnomAD 0.0009%). This variant has not been reported in the literature in individuals affected with MYBPC3-related conditions. ClinVar contains an entry for this variant (Variation ID: 1499656). An algorithm developed to predict the effect of missense changes on protein structure and function (PolyPhen-2) suggests that this variant is likely to be disruptive. Algorithms developed to predict the effect of sequence changes on RNA splicing suggest that this variant may create or strengthen a splice site. In summary, the available evidence is currently insufficient to determine the role of this variant in disease. Therefore, it has been classified as a Variant of Uncertain Significance.